The following is an entry in ClinVar:

NM_001613.4(ACTA2):c.814G>C (p.Glu272Gln)

Genes: ACTA2 (actin alpha 2, smooth muscle; minus strand), ACTA2-AS1 (ACTA2 antisense RNA 1; plus strand). Cytogenetic location: 10q23.31.
Variant type: single nucleotide variant.
Coding change: c.814G>C on transcript NM_001613.4 (MANE Select); coding-DNA position 814, G replaced by C.
Protein change: p.Glu272Gln; replaces glutamic acid 272 with glutamine.
Molecular consequence: missense variant. On other transcripts: non-coding transcript variant (1).
Genome position (GRCh38, 1-based): chr10:88,938,237, C>G on the plus strand (G>C on the coding strand, the complement: ACTA2 is on the minus strand). VCF-style: chr10-88938237-C-G. GRCh37 (hg19) VCF-style: chr10-90697994-C-G.
Other names: c.814G>C, p.Glu272Gln (NM_001141945.3, NM_001320855.2, NM_001406462.1 and 2 more transcripts); c.703G>C, p.Glu235Gln (NM_001406466.1); c.685G>C, p.Glu229Gln (NM_001406467.1, NM_001406468.1, NM_001406469.1); c.622G>C, p.Glu208Gln (NM_001406471.1); short protein forms E272Q, E208Q, E229Q, E235Q.
Identifiers: ClinVar variation 1470765 (VCV001470765.9), dbSNP rs1845781818, ClinGen allele CA377511038.
Genomic context (GRCh38, chr10:88,938,237, plus strand): 5'-TGATGTCAATATCACACTTCATGATGCTGTTGTAGGTGGTTTCATGGATGCCAGCAGACT[C>G]CATCCCTGGAAAAGAGACACAGGCCATGGTCCTTAAGTGGAGAGTAAAACCCAGGCTAGA-3'
Protein context (NP_001604.1, residues 262-282): TLFQPSFIGM[Glu272Gln]SAGIHETTYN

ClinVar aggregate classification (germline): Uncertain significance (1 of 4 stars; one submission).

Conditions:
Aortic aneurysm, familial thoracic 6 (AAT6). Also called: FAMILIAL THORACIC AORTIC ANEURYSM WITH LIVEDO RETICULARIS AND IRIS FLOCCULI. Identifiers: MedGen C2673186, MONDO:0012730, OMIM 611788.

Submission:

Labcorp Genetics (formerly Invitae), Labcorp
Classification: Uncertain significance for Aortic aneurysm, familial thoracic 6. Last evaluated: 2021-02-15. Review status: criteria provided, single submitter. Criteria: Invitae Variant Classification Sherloc (09022015). Collection method: clinical testing. Allele origin: germline.
Comment: In summary, the available evidence is currently insufficient to determine the role of this variant in disease. Therefore, it has been classified as a Variant of Uncertain Significance. Advanced modeling of protein sequence and biophysical properties (such as structural, functional, and spatial information, amino acid conservation, physicochemical variation, residue mobility, and thermodynamic stability) performed at Invitae indicates that this missense variant is expected to disrupt ACTA2 protein function. This variant has not been reported in the literature in individuals with ACTA2-related conditions. This variant is not present in population databases (ExAC no frequency). This sequence change replaces glutamic acid with glutamine at codon 272 of the ACTA2 protein (p.Glu272Gln). The glutamic acid residue is highly conserved and there is a small physicochemical difference between glutamic acid and glutamine.